The following is an entry in ClinVar:

NM_001371623.1(TCOF1):c.4368del (p.Glu1457fs)

Gene: TCOF1 (treacle ribosome biogenesis factor 1; plus strand). Cytogenetic location: 5q32.
Variant type: Deletion.
Coding change: c.4368del on transcript NM_001371623.1 (MANE Select); coding-DNA position 4368, one base deleted (A; older notation c.4368delA).
Protein change: p.Glu1457fs; shifts the reading frame from glutamic acid 1457.
Molecular consequence: frameshift variant.
Genome position (GRCh38, 1-based): chr5:150,398,376, A deleted; the last of 8 consecutive A bases (chr5:150,398,369-150,398,376); deleting any one gives the same sequence. VCF-style (leftmost placement, unchanged base first): chr5-150398368-GA-G. GRCh37 (hg19) VCF-style: chr5-149777931-GA-G.
Other names: c.4134del, p.Glu1379fs (NM_000356.4); c.4365del, p.Glu1456fs (NM_001135243.2); c.4254del, p.Glu1419fs (NM_001135244.2); c.4137del, p.Glu1380fs (NM_001135245.2); c.4251del, p.Glu1418fs (NM_001195141.2); c.4365del (NM_001135243.1); short protein forms E1380fs, E1419fs, E1456fs, E1379fs, E1418fs, E1457fs.
Identifiers: ClinVar variation 3968 (VCV000003968.3), dbSNP rs587776585, ClinGen allele CA252949.

ClinVar aggregate classification (germline): Pathogenic. Review status: criteria provided, single submitter (1 of 4 stars). 2 submissions from 2 submitters: Pathogenic (1). 1 of the submissions does not count toward it. Last evaluated 2026-05-27.

Conditions:
Treacher Collins syndrome 1 (TCS1). Also called: TCOF1-Related Treacher Collins Syndrome. Identifiers: Orphanet 861, MedGen CN315775, MONDO:0007944, OMIM 154500.

Submissions (2):

GeneDx
Classification: Pathogenic. Last evaluated: 2026-05-27. Review status: criteria provided, single submitter. Criteria: GeneDx Variant Classification Process June 2021. Collection method: clinical testing. Allele origin: germline.
Comment: Frameshift variant predicted to result in abnormal protein length as the last 33 amino acids are replaced with 118 different amino acids, and other similar variants have been reported; Identified as a de novo variant with confirmed parentage and as an apparently de novo variant in probands referred for genetic testing at GeneDx; Not observed at significant frequency in large population cohorts (gnomAD); Also known as c.4134delA p.(Glu1379Lysfs); This variant is associated with the following publications: (PMID: 12114482, 19050407)

OMIM
Classification: Pathogenic for TREACHER COLLINS SYNDROME 1. Last evaluated: 2009-01-01. Review status: no assertion criteria provided. Collection method: literature only. Allele origin: germline. Not counted in ClinVar's aggregate classification.

Literature cited by the submitters: PubMed 12114482 (cited by OMIM); PubMed 19050407 (cited by OMIM).